The following is an entry in ClinVar:

NM_003742.4(ABCB11):c.3812T>A (p.Ile1271Asn)

Gene: ABCB11 (ATP binding cassette subfamily B member 11; minus strand). Cytogenetic location: 2q31.1.
Variant type: single nucleotide variant.
Coding change: c.3812T>A on transcript NM_003742.4 (MANE Select); coding-DNA position 3812, T replaced by A.
Protein change: p.Ile1271Asn; replaces isoleucine 1271 with asparagine.
Molecular consequence: missense variant.
Genome position (GRCh38, 1-based): chr2:168,923,776, A>T on the plus strand (T>A on the coding strand, the complement: ABCB11 is on the minus strand). VCF-style: chr2-168923776-A-T. GRCh37 (hg19) VCF-style: chr2-169780286-A-T.
Other names: short protein forms I1271N.
Identifiers: ClinVar variation 1706607 (VCV001706607.2), dbSNP rs201296827, ClinGen allele CA59867824.

ClinVar aggregate classification (germline): Uncertain significance. Review status: criteria provided, single submitter (1 of 4 stars). 2 submissions from 2 submitters: Uncertain significance (1). 1 of the submissions does not count toward it. Last evaluated 2026-04-14.

Conditions:
Familial intrahepatic cholestasis. Identifiers: Orphanet 284385, MedGen CN296401, MONDO:0017290.
Progressive familial intrahepatic cholestasis type 2. Identifiers: Orphanet 79304, MedGen C3489789, MONDO:0011156, OMIM 601847.

Submissions (2):

Genomenon, Inc
Classification: Uncertain significance for Familial intrahepatic cholestasis. Last evaluated: 2026-04-14. Review status: criteria provided, single submitter. Criteria: Genomenon Sequence Variant Interpretation Standards - Updated. Collection method: curation. Allele origin: germline. Affected: yes.
Comment: ABCB11 p.Ile1271Asn (c.3812T>A) is a missense variant that changes the amino acid at residue 1271 from Isoleucine to Asparagine. This variant has been observed in at least one proband with an ABCB11-related disorder (PMID:38323732). It is absent or not present at a significant frequency in gnomAD. In silico models predict that this variant is possibly or probably damaging. In conclusion, we classify ABCB11 p.Ile1271Asn (c.3812T>A) as a variant of uncertain significance.

Molecular Diagnostics Laboratory, Seoul National University Hospital
Classification: Likely pathogenic for Progressive familial intrahepatic cholestasis type 2. Review status: no assertion criteria provided. Collection method: clinical testing. Allele origin: unknown. Affected: yes. Not counted in ClinVar's aggregate classification.

Literature cited by the submitters: PubMed 38323732 (cited by Genomenon, Inc).